The following is an entry in ClinVar:

NM_000528.4(MAN2B1):c.2355+6T>C

Gene: MAN2B1 (mannosidase alpha class 2B member 1; minus strand). Cytogenetic location: 19p13.13.
Variant type: single nucleotide variant.
Coding change: c.2355+6T>C on transcript NM_000528.4 (MANE Select); 6 bases into the intron after coding-DNA position 2355, T replaced by C.
Molecular consequence: intron variant.
Genome position (GRCh38, 1-based): chr19:12,649,335, A>G on the plus strand (T>C on the coding strand, the complement: MAN2B1 is on the minus strand). VCF-style: chr19-12649335-A-G. GRCh37 (hg19) VCF-style: chr19-12760149-A-G.
Other names: c.2352+6T>C (NM_001173498.2).
Identifiers: ClinVar variation 2105026 (VCV002105026.4), dbSNP rs1052970162, ClinGen allele CA305461960.

ClinVar aggregate classification (germline): Uncertain significance (1 of 4 stars; one submission).

Conditions:
Deficiency of alpha-mannosidase (MANSA). Also called: Mannosidosis, alpha-, types I and II; LYSOSOMAL ALPHA-D-MANNOSIDASE DEFICIENCY; Alpha-Mannosidosis. Identifiers: Orphanet 61, MedGen C0024748, MONDO:0009561, OMIM 248500.

gnomAD v4.1: 5 of 1,611,582 alleles (0.00031%); highest among the groups gnomAD compares: African/African-American, 0.0027%; no homozygotes.

Submission:

Labcorp Genetics (formerly Invitae), Labcorp
Classification: Uncertain significance for Deficiency of alpha-mannosidase. Last evaluated: 2022-03-01. Review status: criteria provided, single submitter. Criteria: Invitae Variant Classification Sherloc (09022015). Collection method: clinical testing. Allele origin: germline.
Comment: In summary, the available evidence is currently insufficient to determine the role of this variant in disease. Therefore, it has been classified as a Variant of Uncertain Significance. Variants that disrupt the consensus splice site are a relatively common cause of aberrant splicing (PMID: 17576681, 9536098). Algorithms developed to predict the effect of sequence changes on RNA splicing suggest that this variant is not likely to affect RNA splicing. This variant has not been reported in the literature in individuals affected with MAN2B1-related conditions. This variant is present in population databases (no rsID available, gnomAD 0.01%). This sequence change falls in intron 19 of the MAN2B1 gene. It does not directly change the encoded amino acid sequence of the MAN2B1 protein. It affects a nucleotide within the consensus splice site.

Literature cited by the submitters: PubMed 17576681; PubMed 9536098.